The following is an entry in ClinVar:

NM_000271.5(NPC1):c.57+5G>A

Gene: NPC1 (NPC intracellular cholesterol transporter 1; minus strand). Cytogenetic location: 18q11.2.
Variant type: single nucleotide variant.
Coding change: c.57+5G>A on transcript NM_000271.5 (MANE Select); 5 bases into the intron after coding-DNA position 57, G replaced by A.
Molecular consequence: intron variant.
Genome position (GRCh38, 1-based): chr18:23,586,282, C>T on the plus strand (G>A on the coding strand, the complement: NPC1 is on the minus strand). VCF-style: chr18-23586282-C-T. GRCh37 (hg19) VCF-style: chr18-21166246-C-T.
Identifiers: ClinVar variation 1469420 (VCV001469420.6), dbSNP rs1425231411, ClinGen allele CA2573155187.

ClinVar aggregate classification (germline): Uncertain significance (1 of 4 stars; one submission).

Conditions:
Niemann-Pick disease, type C1. Also called: NIEMANN-PICK DISEASE, VARIANT TYPE C1; NEUROVISCERAL STORAGE DISEASE WITH VERTICAL SUPRANUCLEAR OPHTHALMOPLEGIA; NIEMANN-PICK DISEASE WITH CHOLESTEROL ESTERIFICATION BLOCK; NIEMANN-PICK DISEASE WITHOUT SPHINGOMYELINASE DEFICIENCY; NIEMANN-PICK DISEASE, CHRONIC NEURONOPATHIC FORM. Identifiers: Orphanet 646, MedGen C3179455, MONDO:0009757, OMIM 257220.

Submission:

Labcorp Genetics (formerly Invitae), Labcorp
Classification: Uncertain significance for Niemann-Pick disease, type C1. Last evaluated: 2022-08-09. Review status: criteria provided, single submitter. Criteria: Invitae Variant Classification Sherloc (09022015). Collection method: clinical testing. Allele origin: germline.
Comment: This variant is not present in population databases (gnomAD no frequency). In summary, the available evidence is currently insufficient to determine the role of this variant in disease. Therefore, it has been classified as a Variant of Uncertain Significance. Variants that disrupt the consensus splice site are a relatively common cause of aberrant splicing (PMID: 17576681, 9536098). Algorithms developed to predict the effect of sequence changes on RNA splicing suggest that this variant may create or strengthen a splice site. ClinVar contains an entry for this variant (Variation ID: 1469420). This variant has not been reported in the literature in individuals affected with NPC1-related conditions. This sequence change falls in intron 1 of the NPC1 gene. It does not directly change the encoded amino acid sequence of the NPC1 protein. It affects a nucleotide within the consensus splice site.

Literature cited by the submitters: PubMed 17576681; PubMed 9536098.